The following is an entry in ClinVar:

NM_014252.4(SLC25A15):c.677C>T (p.Ala226Val)

Gene: SLC25A15 (solute carrier family 25 member 15; plus strand). Cytogenetic location: 13q14.11.
Variant type: single nucleotide variant.
Coding change: c.677C>T on transcript NM_014252.4 (MANE Select); coding-DNA position 677, C replaced by T.
Protein change: p.Ala226Val; replaces alanine 226 with valine.
Molecular consequence: missense variant.
Genome position (GRCh38, 1-based): chr13:40,808,492, C>T. VCF-style: chr13-40808492-C-T. GRCh37 (hg19) VCF-style: chr13-41382628-C-T.
Other names: c.677C>T (NM_014252.3); short protein forms A226V.
Identifiers: ClinVar variation 1054429 (VCV001054429.7), dbSNP rs776523157, ClinGen allele CA6959798.
Genomic context (GRCh38, chr13:40,808,492, plus strand): 5'-CTCTAGGCCCTGTACCTTTGATGTTAAGTGGTGGAGTTGGTGGGATTTGCCTCTGGCTTG[C>T]GGTATACCCAGTGGATTGTATCAAATCCAGAATTCAAGTTCTTTCCATGTCTGGAAAACA-3'
Protein context (NP_055067.1, residues 216-236): GGVGGICLWL[Ala226Val]VYPVDCIKSR

ClinVar aggregate classification (germline): Uncertain significance. Review status: criteria provided, multiple submitters, no conflicts (2 of 4 stars). 4 submissions from 4 submitters: Uncertain significance (3). 1 of the submissions does not count toward it. Last evaluated 2024-06-25.

Conditions:
Inborn genetic diseases. Identifiers: MedGen C0950123, MeSH D030342.
Hyperornithinemia-hyperammonemia-homocitrullinuria syndrome (HHHS). Also called: HHH SYNDROME; Ornithine translocase deficiency. Identifiers: Orphanet 415, MedGen C0268540, MONDO:0009393, OMIM 238970.

Allele frequency attached by ClinVar (database versions not stated): ExAC 0.00002; gnomAD exomes 0.00002 and 0.00004; gnomAD 0.00003.
gnomAD v4.1: 32 of 1,613,096 alleles (0.002%); highest among the groups gnomAD compares: African/African-American, 0.011%; no homozygotes.

Submissions (4):

Ambry Genetics
Classification: Uncertain significance for Inborn genetic diseases. Last evaluated: 2024-06-25. Review status: criteria provided, single submitter. Criteria: Ambry Variant Classification Scheme 2023. Collection method: clinical testing. Allele origin: germline.

Fulgent Genetics
Classification: Uncertain significance for Hyperornithinemia-hyperammonemia-homocitrullinuria syndrome. Last evaluated: 2021-10-05. Review status: criteria provided, single submitter. Criteria: ACMG Guidelines, 2015. Collection method: clinical testing. Allele origin: unknown.

Labcorp Genetics (formerly Invitae), Labcorp
Classification: Uncertain significance for Hyperornithinemia-hyperammonemia-homocitrullinuria syndrome. Last evaluated: 2021-08-24. Review status: criteria provided, single submitter. Criteria: Invitae Variant Classification Sherloc (09022015). Collection method: clinical testing. Allele origin: germline.
Comment: This sequence change replaces alanine with valine at codon 226 of the SLC25A15 protein (p.Ala226Val). The alanine residue is moderately conserved and there is a small physicochemical difference between alanine and valine. This variant is present in population databases (rs776523157, ExAC 0.005%). This variant has not been reported in the literature in individuals affected with SLC25A15-related conditions. Algorithms developed to predict the effect of missense changes on protein structure and function (SIFT, PolyPhen-2, Align-GVGD) all suggest that this variant is likely to be tolerated. In summary, the available evidence is currently insufficient to determine the role of this variant in disease. Therefore, it has been classified as a Variant of Uncertain Significance.

Natera, Inc.
Classification: Uncertain significance for Hyperornithinemia-hyperammonemia-homocitrullinuria syndrome. Last evaluated: 2020-02-26. Review status: no assertion criteria provided. Collection method: clinical testing. Allele origin: germline. Not counted in ClinVar's aggregate classification.